The following is an entry in ClinVar:

NM_000271.5(NPC1):c.2137_2138insT (p.Glu713fs)

Gene: NPC1 (NPC intracellular cholesterol transporter 1; minus strand). Cytogenetic location: 18q11.2.
Variant type: Insertion.
Coding change: c.2137_2138insT on transcript NM_000271.5 (MANE Select); coding-DNA positions 2137 to 2138, T inserted.
Protein change: p.Glu713fs; shifts the reading frame from glutamic acid 713.
Molecular consequence: frameshift variant.
Genome position: GRCh38 VCF-style: chr18-23543562-T-TA. GRCh37 (hg19) VCF-style: chr18-21123526-T-TA.
Other names: short protein forms E713fs.
Identifiers: ClinVar variation 4291941 (VCV004291941.1).

ClinVar aggregate classification (germline): Pathogenic (1 of 4 stars; one submission).

Conditions:
Niemann-Pick disease, type C1. Also called: NEUROVISCERAL STORAGE DISEASE WITH VERTICAL SUPRANUCLEAR OPHTHALMOPLEGIA; NIEMANN-PICK DISEASE WITH CHOLESTEROL ESTERIFICATION BLOCK; NIEMANN-PICK DISEASE WITHOUT SPHINGOMYELINASE DEFICIENCY; NIEMANN-PICK DISEASE, CHRONIC NEURONOPATHIC FORM; NIEMANN-PICK DISEASE, VARIANT TYPE C1. Identifiers: Orphanet 646, MedGen C3179455, MONDO:0009757, OMIM 257220.

Submission:

3billion
Classification: Pathogenic for Niemann-Pick disease, type C1. Last evaluated: 2024-06-25. Review status: criteria provided, single submitter. Criteria: ACMG Guidelines, 2015. Collection method: clinical testing. Allele origin: germline. Affected: yes.
Comment: The variant is not observed in the gnomAD v4.0.0 dataset. Predicted Consequence/Location: Frameshift: predicted to result in a loss or disruption of normal protein function through nonsense-mediated decay (NMD) or protein truncation. Multiple pathogenic variants are reported downstream of the variant. Therefore, this variant is classified as Pathogenic according to the recommendation of ACMG/AMP guideline.